The following is an entry in ClinVar:

ClinVar aggregate classification (germline): Uncertain significance (1 of 4 stars; one submission).

Conditions:
Spastic paraplegia. Identifiers: MedGen C0037772, HP:0001258.

Allele frequency attached by ClinVar (database versions not stated): gnomAD exomes below 0.00001.
gnomAD v4.1: 2 of 1,614,144 alleles (0.00012%); highest among the groups gnomAD compares: Non-Finnish European, 0.00017%; no homozygotes.

Submission:

Labcorp Genetics (formerly Invitae), Labcorp
Classification: Uncertain significance for Spastic paraplegia. Last evaluated: 2024-02-24. Review status: criteria provided, single submitter. Criteria: Invitae Variant Classification Sherloc (09022015). Collection method: clinical testing. Allele origin: germline.
Comment: This sequence change replaces proline, which is neutral and non-polar, with arginine, which is basic and polar, at codon 2093 of the ZFYVE26 protein (p.Pro2093Arg). This variant is not present in population databases (gnomAD no frequency). This variant has not been reported in the literature in individuals affected with ZFYVE26-related conditions. ClinVar contains an entry for this variant (Variation ID: 1464744). An algorithm developed to predict the effect of missense changes on protein structure and function (PolyPhen-2) suggests that this variant is likely to be disruptive. In summary, the available evidence is currently insufficient to determine the role of this variant in disease. Therefore, it has been classified as a Variant of Uncertain Significance.

NM_015346.4(ZFYVE26):c.6278C>G (p.Pro2093Arg)

Gene: ZFYVE26 (zinc finger FYVE-type containing 26; minus strand). Cytogenetic location: 14q24.1.
Variant type: single nucleotide variant.
Coding change: c.6278C>G on transcript NM_015346.4 (MANE Select); coding-DNA position 6278, C replaced by G.
Protein change: p.Pro2093Arg; replaces proline 2093 with arginine.
Molecular consequence: missense variant.
Genome position (GRCh38, 1-based): chr14:67,762,294, G>C on the plus strand (C>G on the coding strand, the complement: ZFYVE26 is on the minus strand). VCF-style: chr14-67762294-G-C. GRCh37 (hg19) VCF-style: chr14-68229011-G-C.
Other names: short protein forms P2093R.
Identifiers: ClinVar variation 1464744 (VCV001464744.5), dbSNP rs2140194086, ClinGen allele CA390163938.